The following is an entry in ClinVar:

NM_001848.3(COL6A1):c.362A>G (p.Lys121Arg)

Gene: COL6A1 (collagen type VI alpha 1 chain; plus strand). Cytogenetic location: 21q22.3.
Variant type: single nucleotide variant.
Coding change: c.362A>G on transcript NM_001848.3 (MANE Select); coding-DNA position 362, A replaced by G.
Protein change: p.Lys121Arg; replaces lysine 121 with arginine.
Molecular consequence: missense variant.
Genome position (GRCh38, 1-based): chr21:45,984,403, A>G. VCF-style: chr21-45984403-A-G. GRCh37 (hg19) VCF-style: chr21-47404317-A-G.
Other names: K121R.
Identifiers: ClinVar variation 17173 (VCV000017173.20), dbSNP rs121912936, ClinGen allele CA221786.

ClinVar aggregate classification (germline): Pathogenic. Review status: criteria provided, multiple submitters, no conflicts (2 of 4 stars). 4 submissions from 4 submitters: Pathogenic (3). 1 of the submissions does not count toward it. Last evaluated 2025-12-30.

Conditions:
Bethlem myopathy 1A. Also called: Bethlem myopathy 1; MYOPATHY, BENIGN CONGENITAL, WITH CONTRACTURES; Bethlem Muscular Dystrophy. Identifiers: Orphanet 610, MedGen CN029274, MONDO:0024530, OMIM 158810.

Allele frequency attached by ClinVar (database versions not stated): TOPMed 0.00002.

Submissions (4):

Labcorp Genetics (formerly Invitae), Labcorp
Classification: Pathogenic for Bethlem myopathy 1A. Last evaluated: 2025-12-30. Review status: criteria provided, single submitter. Criteria: Invitae Variant Classification Sherloc (09022015). Collection method: clinical testing. Allele origin: germline.
Comment: This sequence change replaces lysine, which is basic and polar, with arginine, which is basic and polar, at codon 121 of the COL6A1 protein (p.Lys121Arg). This variant is not present in population databases (gnomAD no frequency). This missense change has been observed in individuals with clinical features of autosomal dominant type VI collagenopathies (PMID: 11865138, 28877744; internal data). It has also been observed to segregate with disease in related individuals. ClinVar contains an entry for this variant (Variation ID: 17173). Invitae Evidence Modeling of protein sequence and biophysical properties (such as structural, functional, and spatial information, amino acid conservation, physicochemical variation, residue mobility, and thermodynamic stability) indicates that this missense variant is not expected to disrupt COL6A1 protein function with a negative predictive value of 95%. For these reasons, this variant has been classified as Pathogenic.

Revvity Omics, Revvity
Classification: Pathogenic. Last evaluated: 2019-07-28. Review status: criteria provided, single submitter. Criteria: ACMG Guidelines, 2015. Collection method: clinical testing. Allele origin: germline.

Eurofins Ntd Llc (ga)
Classification: Pathogenic. Last evaluated: 2016-08-24. Review status: criteria provided, single submitter. Criteria: EGL Classification Definitions. Collection method: clinical testing. Allele origin: germline. Observed: 3 variant alleles, 3 heterozygotes.

OMIM
Classification: Pathogenic for BETHLEM MYOPATHY 1A. Last evaluated: 2002-02-26. Review status: no assertion criteria provided. Collection method: literature only. Allele origin: germline. Not counted in ClinVar's aggregate classification.

Literature cited by the submitters: PubMed 11865138 (cited by Labcorp Genetics (formerly Invitae), Labcorp and OMIM); PubMed 28877744 (cited by Labcorp Genetics (formerly Invitae), Labcorp).